The following is an entry in ClinVar:

ClinVar aggregate classification (germline): Pathogenic (1 of 4 stars; one submission).

Conditions:
Intellectual developmental disorder, X-linked, syndromic, Claes-Jensen type. Also called: Syndromic X-linked intellectual disability Claes-Jensen type; INTELLECTUAL DEVELOPMENTAL DISORDER, X-LINKED, SYNDROMIC 16; MENTAL RETARDATION, X-LINKED, SYNDROMIC 16. Identifiers: Orphanet 85279, MedGen C1845243, MONDO:0010355, OMIM 300534.

Submissions (2):

Juno Genomics, Hangzhou Juno Genomics, Inc
Classification: Pathogenic for Intellectual developmental disorder, X-linked, syndromic, Claes-Jensen type. Review status: criteria provided, single submitter. Criteria: ACMG Guidelines, 2015. Collection method: clinical testing. Allele origin: germline. Affected: yes.
Comment: Absent from controls (or at extremely low frequency if recessive) in Genome Aggregation Database.;De novo (both maternity and paternity confirmed) in a patient with the disease and no family history.;Null variant in a gene where loss of function (LOF) is a known mechanism of disease.

Dr. Peter K. Rogan Lab, Western University
No classification provided (evidence only). Condition: Nonpapillary renal cell carcinoma. Review status: no classification provided. Collection method: in vitro. Allele origin: not applicable. Functional consequence: retained intron. Not counted in ClinVar's aggregate classification.

NM_004187.5(KDM5C):c.1584-2A>G

Gene: KDM5C (lysine demethylase 5C; minus strand). Cytogenetic location: Xp11.22.
Variant type: single nucleotide variant.
Coding change: c.1584-2A>G on transcript NM_004187.5 (MANE Select); the canonical splice acceptor site of the intron before coding-DNA position 1584, A replaced by G.
Molecular consequence: splice acceptor variant.
Genome position (GRCh38, 1-based): chrX:53,210,578, T>C on the plus strand (A>G on the coding strand, the complement: KDM5C is on the minus strand). VCF-style: chrX-53210578-T-C. GRCh37 (hg19) VCF-style: chrX-53239760-T-C.
Other names: NC_000023.10:g.53239760T>C; c.1581-2A>G (NM_001353982.2, NM_001353979.2, NM_001282622.3); c.1584-2A>G (NM_001353981.2, NM_001353984.2, NM_001353978.3); c.1383-2A>G (NM_001146702.2).
Identifiers: ClinVar variation 4492712 (VCV004492712.2).
Genomic context (GRCh38, chrX:53,210,578, plus strand): 5'-CTTCTTCCAAATGTTCTGCTGCAAGTGAGGGCACCCCATACCAGGTCTTCGGCTCACCCC[T>C]GCACAAGTGGAAAAGGGACACACACAGTAAATCACACCTTGGTCATGCAGGGAGCCCACA-3'